The following is an entry in ClinVar:

ClinVar aggregate classification (germline): Pathogenic/Likely pathogenic. Review status: criteria provided, multiple submitters, no conflicts (2 of 4 stars). 4 submissions from 4 submitters: Pathogenic (2); Likely pathogenic (1). 1 of the submissions does not count toward it. Last evaluated 2026-06-28.

Conditions:
Hypomagnesemia, seizures, and impaired intellectual development 1. Also called: Hypomagnesemia, seizures, and intellectual disability 1. Identifiers: Orphanet 34527, MedGen C4225333, MONDO:0020787, OMIM 616418.

Submissions (4):

Revvity Omics, Revvity
Classification: Pathogenic. Last evaluated: 2026-06-28. Review status: criteria provided, single submitter. Criteria: ACMG Guidelines, 2015. Collection method: clinical testing. Allele origin: germline.

Institute of Human Genetics Munich, TUM University Hospital
Classification: Pathogenic for Hypomagnesemia, seizures, and impaired intellectual development 1. Last evaluated: 2025-03-28. Review status: criteria provided, single submitter. Criteria: Classification criteria August 2017. Collection method: clinical testing. Allele origin: de novo. Inheritance: Autosomal dominant inheritance. Affected: yes. Observed: 1 variant allele.

SIB Swiss Institute of Bioinformatics
Classification: Likely pathogenic for Hypomagnesemia, seizures, and impaired intellectual development 1. Last evaluated: 2018-04-16. Review status: criteria provided, single submitter. Criteria: ACMG Guidelines, 2015. Collection method: curation. Allele origin: germline.
Comment: This variant is interpreted as a Likely Pathogenic, for Hypomagnesemia, seizures, and mental retardation, Autosomal Dominant inheritance. The following ACMG Tag(s) were applied: PM2 => Absent from controls (or at extremely low frequency if recessive) in Exome Sequencing Project, 1000 Genomes Project, or Exome Aggregation Consortium. PP3 => Multiple lines of computational evidence support a deleterious effect on the gene or gene product. PM6 => Assumed de novo, but without confirmation of paternity and maternity (PMID:24699222). PS3-Moderate => PS3 downgraded in strength to Moderate (PMID:24699222).

OMIM
Classification: Pathogenic for HYPOMAGNESEMIA, SEIZURES, AND IMPAIRED INTELLECTUAL DEVELOPMENT 1. Last evaluated: 2014-04-01. Review status: no assertion criteria provided. Collection method: literature only. Allele origin: germline. Not counted in ClinVar's aggregate classification.

Literature cited by the submitters: PubMed 24699222 (cited by SIB Swiss Institute of Bioinformatics and OMIM).

NM_017649.5(CNNM2):c.806C>G (p.Ser269Trp)

Gene: CNNM2 (cyclin and CBS domain divalent metal cation transport mediator 2; plus strand). Cytogenetic location: 10q24.32.
Variant type: single nucleotide variant.
Coding change: c.806C>G on transcript NM_017649.5 (MANE Select); coding-DNA position 806, C replaced by G.
Protein change: p.Ser269Trp; replaces serine 269 with tryptophan.
Molecular consequence: missense variant.
Genome position (GRCh38, 1-based): chr10:102,919,286, C>G. VCF-style: chr10-102919286-C-G. GRCh37 (hg19) VCF-style: chr10-104679043-C-G.
Other names: NM_017649.4:c.806C>G(p.Ser269Trp); NM_199076.2:c.806C>G(p.Ser269Trp); NM_199077.2:c.806C>G(p.Ser269Trp); c.806C>G, p.Ser269Trp (NM_199076.3, NM_199077.3); short protein forms S269W.
Identifiers: ClinVar variation 192325 (VCV000192325.8), dbSNP rs794726858, ClinGen allele CA200202.